The following is an entry in ClinVar:

NM_030665.4(RAI1):c.1202C>T (p.Thr401Met)

Gene: RAI1 (retinoic acid induced 1; plus strand). Cytogenetic location: 17p11.2.
Variant type: single nucleotide variant.
Coding change: c.1202C>T on transcript NM_030665.4 (MANE Select); coding-DNA position 1202, C replaced by T.
Protein change: p.Thr401Met; replaces threonine 401 with methionine.
Molecular consequence: missense variant.
Genome position (GRCh38, 1-based): chr17:17,794,150, C>T. VCF-style: chr17-17794150-C-T. GRCh37 (hg19) VCF-style: chr17-17697464-C-T.
Other names: c.1202C>T (NM_030665.3); short protein forms T401M.
Identifiers: ClinVar variation 1504360 (VCV001504360.12), dbSNP rs200825036, ClinGen allele CA8418288.

ClinVar aggregate classification (germline): Conflicting classifications of pathogenicity. Review status: criteria provided, conflicting classifications (1 of 4 stars). 3 submissions from 3 submitters: Uncertain significance (2); Likely benign (1). Last evaluated 2025-10-01.

Conditions:
Smith-Magenis syndrome (SMS). Also called: CHROMOSOME 17p11.2 DELETION SYNDROME. Identifiers: Orphanet 819, MedGen C0795864, MONDO:0008434, OMIM 182290.
RAI1-related disorder. Also called: RAI1-related condition.

Allele frequency attached by ClinVar (database versions not stated): gnomAD exomes 0.00004 and 0.00002; TOPMed 0.00004; 1000 Genomes Project 30x 0.00016; 1000 Genomes Project 0.00020; gnomAD 0.00001; ExAC 0.00003.
gnomAD v4.1: 56 of 1,613,984 alleles (0.0035%); highest among the groups gnomAD compares: Non-Finnish European, 0.0045%; no homozygotes.

Submissions (3):

PreventionGenetics, part of Exact Sciences
Classification: Uncertain significance for RAI1-related condition. Last evaluated: 2025-10-01. Review status: criteria provided, single submitter. Criteria: ACMG Guidelines, 2015. Collection method: clinical testing. Allele origin: germline.
Comment: The RAI1 c.1202C>T variant is predicted to result in the amino acid substitution p.Thr401Met. To our knowledge, this variant has not been reported in the literature. This variant is reported in 0.0054% of alleles in individuals of East Asian descent in gnomAD, which is likely too frequent for an undocumented disease-causing variant. Although we suspect that this variant may be benign, at this time, the clinical significance of this variant is uncertain due to the absence of conclusive functional and genetic evidence.

Labcorp Genetics (formerly Invitae), Labcorp
Classification: Likely benign. Last evaluated: 2024-10-28. Review status: criteria provided, single submitter. Criteria: Invitae Variant Classification Sherloc (09022015). Collection method: clinical testing. Allele origin: germline.

Department of Pathology and Laboratory Medicine, Sinai Health System
Classification: Uncertain significance for Smith-Magenis syndrome. Last evaluated: 2023-10-15. Review status: criteria provided, single submitter. Criteria: ACMG Guidelines, 2015. Collection method: research. Allele origin: germline.